The following is an entry in ClinVar:

NM_000091.5(COL4A3):c.145G>A (p.Gly49Arg)

Genes: COL4A3 (collagen type IV alpha 3 chain; plus strand), MFF-DT (MFF divergent transcript; minus strand). Cytogenetic location: 2q36.3.
Variant type: single nucleotide variant.
Coding change: c.145G>A on transcript NM_000091.5 (MANE Select); coding-DNA position 145, G replaced by A.
Protein change: p.Gly49Arg; replaces glycine 49 with arginine.
Molecular consequence: missense variant.
Genome position (GRCh38, 1-based): chr2:227,240,143, G>A. VCF-style: chr2-227240143-G-A. GRCh37 (hg19) VCF-style: chr2-228104859-G-A.
Other names: short protein forms G49R.
Identifiers: ClinVar variation 558062 (VCV000558062.5), dbSNP rs1553749403, ClinGen allele CA350859033.

ClinVar aggregate classification (germline): Uncertain significance. Review status: criteria provided, multiple submitters, no conflicts (2 of 4 stars). 3 submissions from 3 submitters: Uncertain significance (2). 1 of the submissions does not count toward it. Last evaluated 2025-12-31.

Conditions:
Inborn genetic diseases. Identifiers: MedGen C0950123, MeSH D030342.
Autosomal recessive Alport syndrome (ATS2). Also called: Alport syndrome type 2; ALPORT SYNDROME 2, AUTOSOMAL RECESSIVE; COL4A3-Related Nephropathy; COL4A4 Alport Syndrome and Thin Basement Membrane Nephropathy. Identifiers: Orphanet 63, Orphanet 88919, MedGen C4746745, MONDO:0008762, OMIM 203780.

Submissions (3):

Women's Health and Genetics/Laboratory Corporation of America, LabCorp
Classification: Uncertain significance. Last evaluated: 2025-12-31. Review status: criteria provided, single submitter. Criteria: LabCorp Variant Classification Summary - May 2015. Collection method: clinical testing. Allele origin: germline.
Comment: Variant summary: COL4A3 c.145G>A (p.Gly49Arg) results in a non-conservative amino acid change located in the Collagen triple helix repeat (20 copies) domain (IPR008160) of the encoded protein sequence. Algorithms developed to predict the effect of missense changes on protein structure and function all suggest that this variant is likely to be disruptive. Several computational tools predict a significant impact on normal splicing: One predicts the variant has no significant impact on splicing and three predict the variant weakens a 3' acceptor site. However, these predictions have yet to be confirmed by functional studies. The variant was absent in 234316 control chromosomes. The available data on variant occurrences in the general population are insufficient to allow any conclusion about variant significance. To our knowledge, no occurrence of c.145G>A in individuals affected with COL4A3-related conditions and no experimental evidence demonstrating its impact on protein function have been reported. ClinVar contains an entry for this variant (Variation ID: 558062). Based on the evidence outlined above, the variant was classified as uncertain significance.

Ambry Genetics
Classification: Uncertain significance for Inborn genetic diseases. Last evaluated: 2023-06-28. Review status: criteria provided, single submitter. Criteria: Ambry Variant Classification Scheme 2023. Collection method: clinical testing. Allele origin: germline.
Comment: The c.145G>A (p.G49R) alteration is located in exon 3 (coding exon 3) of the COL4A3 gene. This alteration results from a G to A substitution at nucleotide position 145, causing the glycine (G) at amino acid position 49 to be replaced by an arginine (R). This variant was not reported in population-based cohorts in the Genome Aggregation Database (gnomAD). Another alteration resulting in the same amino acid change, c.145G>C (p.G49R), has been detected in the heterozygous state in two individuals with proteinuria (Morini&egrave;re, 2014). This amino acid position is highly conserved in available vertebrate species with limited alignment for this region. The p.G49R amino acid is located within the triple-helical domain of the collagen alpha-3(IV) chain, and affects one of the highly conserved glycine residues in the Gly-X-Y motif that make up this domain (Ramshaw, 1998). The in silico prediction for this alteration is inconclusive. Based on insufficient or conflicting evidence, the clinical significance of this alteration remains unclear.

Counsyl
Classification: Uncertain significance for Autosomal recessive Alport syndrome. Last evaluated: 2018-04-26. Review status: no assertion criteria provided. Collection method: clinical testing. Allele origin: unknown. Not counted in ClinVar's aggregate classification.

Literature cited by the submitters: PubMed 9724608 (cited by Ambry Genetics).